The following is an entry in ClinVar:

ClinVar aggregate classification (germline): Uncertain significance. Review status: criteria provided, multiple submitters, no conflicts (2 of 4 stars). 2 submissions from 2 submitters: Uncertain significance (2). Last evaluated 2024-08-27.

Allele frequency attached by ClinVar (database versions not stated): TOPMed 0.00001; gnomAD 0.00001.
gnomAD v4.1: 13 of 1,613,952 alleles (0.00081%); highest among the groups gnomAD compares: Admixed American, 0.01%; no homozygotes.

Submissions (2):

Mayo Clinic Laboratories, Mayo Clinic
Classification: Uncertain significance. Last evaluated: 2024-08-27. Review status: criteria provided, single submitter. Criteria: ACMG Guidelines, 2015. Collection method: clinical testing. Allele origin: germline. Observed: 1 variant allele.

Labcorp Genetics (formerly Invitae), Labcorp
Classification: Uncertain significance. Last evaluated: 2022-09-13. Review status: criteria provided, single submitter. Criteria: Invitae Variant Classification Sherloc (09022015). Collection method: clinical testing. Allele origin: germline.
Comment: This sequence change replaces glutamic acid, which is acidic and polar, with lysine, which is basic and polar, at codon 301 of the PHYH protein (p.Glu301Lys). This variant is present in population databases (no rsID available, gnomAD 0.0009%). This variant has not been reported in the literature in individuals affected with PHYH-related conditions. ClinVar contains an entry for this variant (Variation ID: 1394270). Algorithms developed to predict the effect of missense changes on protein structure and function (SIFT, PolyPhen-2, Align-GVGD) all suggest that this variant is likely to be tolerated. In summary, the available evidence is currently insufficient to determine the role of this variant in disease. Therefore, it has been classified as a Variant of Uncertain Significance.

NM_006214.4(PHYH):c.901G>A (p.Glu301Lys)

Gene: PHYH (phytanoyl-CoA 2-hydroxylase; minus strand). Cytogenetic location: 10p13.
Variant type: single nucleotide variant.
Coding change: c.901G>A on transcript NM_006214.4 (MANE Select); coding-DNA position 901, G replaced by A.
Protein change: p.Glu301Lys; replaces glutamic acid 301 with lysine.
Molecular consequence: missense variant.
Genome position (GRCh38, 1-based): chr10:13,281,038, C>T on the plus strand (G>A on the coding strand, the complement: PHYH is on the minus strand). VCF-style: chr10-13281038-C-T. GRCh37 (hg19) VCF-style: chr10-13323038-C-T.
Other names: p.Glu301Lys; c.601G>A, p.Glu201Lys (NM_001037537.2, NM_001323080.2); c.907G>A, p.Glu303Lys (NM_001323082.2); c.637G>A, p.Glu213Lys (NM_001323083.2); c.607G>A, p.Glu203Lys (NM_001323084.2); short protein forms E203K, E301K, E213K, E303K, E201K.
Identifiers: ClinVar variation 1394270 (VCV001394270.4), dbSNP rs751411612, ClinGen allele CA203334283.
Genomic context (GRCh38, chr10:13,281,038, plus strand): 5'-TCAAGTTCACGCTATTTTCAGCTCCAAAGAATTTATGTGCTATTCCTACAACTTCCTTCT[C>T]GATGTTTTCTTGACTGGTGCCCTTCACGTCAATGTAGTGGCAATCGGCACTGGCGAAATG-3'
Protein context (NP_006205.1, residues 291-311): DVKGTSQENI[Glu301Lys]KEVVGIAHKF